The following is an entry in ClinVar:

ClinVar aggregate classification (germline): Uncertain significance (1 of 4 stars; one submission).

Allele frequency attached by ClinVar (database versions not stated): TOPMed 0.00001; ExAC 0.00001; gnomAD exomes 0.00001.

Submission:

Labcorp Genetics (formerly Invitae), Labcorp
Classification: Uncertain significance. Last evaluated: 2025-03-11. Review status: criteria provided, single submitter. Criteria: Invitae Variant Classification Sherloc (09022015). Collection method: clinical testing. Allele origin: germline.
Comment: This sequence change replaces methionine, which is neutral and non-polar, with threonine, which is neutral and polar, at codon 144 of the MRAS protein (p.Met144Thr). This variant is present in population databases (rs775983175, gnomAD 0.03%). This variant has not been reported in the literature in individuals affected with MRAS-related conditions. ClinVar contains an entry for this variant (Variation ID: 3010161). An algorithm developed to predict the effect of missense changes on protein structure and function (PolyPhen-2) suggests that this variant is likely to be tolerated. In summary, the available evidence is currently insufficient to determine the role of this variant in disease. Therefore, it has been classified as a Variant of Uncertain Significance.

NM_001085049.3(MRAS):c.431T>C (p.Met144Thr)

Gene: MRAS (muscle RAS oncogene homolog; plus strand). Cytogenetic location: 3q22.3.
Variant type: single nucleotide variant.
Coding change: c.431T>C on transcript NM_001085049.3 (MANE Select); coding-DNA position 431, T replaced by C.
Protein change: p.Met144Thr; replaces methionine 144 with threonine.
Molecular consequence: missense variant.
Genome position (GRCh38, 1-based): chr3:138,398,552, T>C. VCF-style: chr3-138398552-T-C. GRCh37 (hg19) VCF-style: chr3-138117394-T-C.
Other names: c.431T>C, p.Met144Thr (NM_001252090.2, NM_012219.4); c.203T>C, p.Met68Thr (NM_001252091.1, NM_001252092.2, NM_001252093.2); short protein forms M144T, M68T.
Identifiers: ClinVar variation 3010161 (VCV003010161.3), dbSNP rs775983175, ClinGen allele CA2637016.
Genomic context (GRCh38, chr3:138,398,552, plus strand): 5'-TGGCCAACAAGGTCGATTTGATGCACTTGAGGAAGATCACCAGGGAGCAAGGAAAAGAAA[T>C]GGCGACCAAACACAATGTAGGTGTGTGCGTGTGTGTAGAGGGGGTCAGGAGATGTGTAAA-3'
Protein context (NP_001078518.1, residues 134-154): RKITREQGKE[Met144Thr]ATKHNIPYIE